The following is an entry in ClinVar:

NM_000701.8(ATP1A1):c.1756G>C (p.Val586Leu)

Genes: ATP1A1 (ATPase Na+/K+ transporting subunit alpha 1; plus strand), ATP1A1-AS1 (ATP1A1 antisense RNA 1; minus strand). Cytogenetic location: 1p13.1.
Variant type: single nucleotide variant.
Coding change: c.1756G>C on transcript NM_000701.8 (MANE Select); coding-DNA position 1756, G replaced by C.
Protein change: p.Val586Leu; replaces valine 586 with leucine.
Molecular consequence: missense variant.
Genome position (GRCh38, 1-based): chr1:116,395,205, G>C. VCF-style: chr1-116395205-G-C. GRCh37 (hg19) VCF-style: chr1-116937827-G-C.
Other names: c.1756G>C, p.Val586Leu (NM_001160233.2); c.1663G>C, p.Val555Leu (NM_001160234.2); short protein forms V555L, V586L.
Identifiers: ClinVar variation 4804206 (VCV004804206.1).

ClinVar aggregate classification (germline): Uncertain significance (1 of 4 stars; one submission).

gnomAD v4.1: 4 of 1,614,178 alleles (0.00025%); highest among the groups gnomAD compares: South Asian, 0.0033%; no homozygotes.

Submission:

Labcorp Genetics (formerly Invitae), Labcorp
Classification: Uncertain significance. Last evaluated: 2025-08-06. Review status: criteria provided, single submitter. Criteria: Invitae Variant Classification Sherloc (09022015). Collection method: clinical testing. Allele origin: germline.
Comment: This sequence change replaces valine, which is neutral and non-polar, with leucine, which is neutral and non-polar, at codon 586 of the ATP1A1 protein (p.Val586Leu). This variant is present in population databases (rs780464509, gnomAD 0.006%). This variant has not been reported in the literature in individuals affected with ATP1A1-related conditions. Invitae Evidence Modeling of protein sequence and biophysical properties (such as structural, functional, and spatial information, amino acid conservation, physicochemical variation, residue mobility, and thermodynamic stability) indicates that this missense variant is not expected to disrupt ATP1A1 protein function with a negative predictive value of 95%. In summary, the available evidence is currently insufficient to determine the role of this variant in disease. Therefore, it has been classified as a Variant of Uncertain Significance.